The following is an entry in ClinVar:

NM_005546.4(ITK):c.356A>G (p.Lys119Arg)

Gene: ITK (IL2 inducible T cell kinase; plus strand). Cytogenetic location: 5q33.3.
Variant type: single nucleotide variant.
Coding change: c.356A>G on transcript NM_005546.4 (MANE Select); coding-DNA position 356, A replaced by G.
Protein change: p.Lys119Arg; replaces lysine 119 with arginine.
Molecular consequence: missense variant.
Genome position (GRCh38, 1-based): chr5:157,214,221, A>G. VCF-style: chr5-157214221-A-G. GRCh37 (hg19) VCF-style: chr5-156641232-A-G.
Other names: short protein forms K119R.
Identifiers: ClinVar variation 934760 (VCV000934760.10), dbSNP rs577305220, ClinGen allele CA3532734.

ClinVar aggregate classification (germline): Conflicting classifications of pathogenicity. Review status: criteria provided, conflicting classifications (1 of 4 stars). 2 submissions from 2 submitters: Uncertain significance (1); Likely benign (1). Last evaluated 2025-12-10.

Conditions:
Lymphoproliferative syndrome 1 (LPFS1). Identifiers: Orphanet 238505, Orphanet 538963, MedGen C3552634, MONDO:0013081, OMIM 613011.

Allele frequency attached by ClinVar (database versions not stated): gnomAD 0.00001; TOPMed 0.00001; gnomAD exomes 0.00002 and 0.00010; ExAC 0.00009.
gnomAD v4.1: 30 of 1,609,568 alleles (0.0019%); highest among the groups gnomAD compares: Admixed American, 0.048%; no homozygotes.

Submissions (2):

Labcorp Genetics (formerly Invitae), Labcorp
Classification: Likely benign for Lymphoproliferative syndrome 1. Last evaluated: 2025-12-10. Review status: criteria provided, single submitter. Criteria: Invitae Variant Classification Sherloc (09022015). Collection method: clinical testing. Allele origin: germline.

Women's Health and Genetics/Laboratory Corporation of America, LabCorp
Classification: Uncertain significance. Last evaluated: 2024-10-01. Review status: criteria provided, single submitter. Criteria: LabCorp Variant Classification Summary - May 2015. Collection method: clinical testing. Allele origin: germline.
Comment: Variant summary: ITK c.356A>G (p.Lys119Arg) results in a conservative amino acid change in the encoded protein sequence. Three of five in-silico tools predict a damaging effect of the variant on protein function. The variant allele was found at a frequency of 9.9e-05 in 251332 control chromosomes. This frequency is not significantly higher than estimated for a pathogenic variant in ITK causing Lymphoproliferative Syndrome 1, allowing no conclusion about variant significance. To our knowledge, no occurrence of c.356A>G in individuals affected with Lymphoproliferative Syndrome 1 and no experimental evidence demonstrating its impact on protein function have been reported. ClinVar contains an entry for this variant (Variation ID: 934760). Based on the evidence outlined above, the variant was classified as uncertain significance.